The following is an entry in ClinVar:

NC_000001.10:g.(?_10555311)_(10555398_?)dup

Gene: PEX14 (peroxisomal biogenesis factor 14; plus strand). Cytogenetic location: 1p36.22.
Variant type: Duplication.
Identifiers: ClinVar variation 2425167 (VCV002425167.4).

ClinVar aggregate classification (germline): Uncertain significance (1 of 4 stars; one submission).

Conditions:
Peroxisome biogenesis disorder, complementation group K (CGK). Identifiers: MedGen C1866257, MONDO:0800365.

Submission:

Labcorp Genetics (formerly Invitae), Labcorp
Classification: Uncertain significance for Peroxisome biogenesis disorder, complementation group K. Last evaluated: 2021-12-04. Review status: criteria provided, single submitter. Criteria: Invitae Variant Classification Sherloc (09022015). Collection method: clinical testing. Allele origin: germline.
Comment: In summary, the available evidence is currently insufficient to determine the role of this variant in disease. Therefore, it has been classified as a Variant of Uncertain Significance. Experimental studies and prediction algorithms are not available or were not evaluated, and the functional significance of this variant is currently unknown. This variant has not been reported in the literature in individuals affected with PEX14-related conditions. This variant results in a copy number gain of the genomic region encompassing exon(s) 2 of the PEX14 gene. While the exact position of this variant cannot be determined from the data, sub-genic copy number gains are generally in tandem (PMID: 25640679). This variant is predicted to be in-frame, and likely preserves the integrity of the reading frame.

Literature cited by the submitters: PubMed 25640679.